The following is an entry in ClinVar:

NM_000548.5(TSC2):c.1443+2T>A

Gene: TSC2 (TSC complex subunit 2; plus strand). Cytogenetic location: 16p13.3.
Variant type: single nucleotide variant.
Coding change: c.1443+2T>A on transcript NM_000548.5 (MANE Select); the canonical splice donor site of the intron after coding-DNA position 1443, T replaced by A.
Molecular consequence: splice donor variant. On other transcripts: intron variant (1).
Genome position (GRCh38, 1-based): chr16:2,063,055, T>A. VCF-style: chr16-2063055-T-A. GRCh37 (hg19) VCF-style: chr16-2113056-T-A.
Other names: c.99+2T>A (NM_001406693.1, NM_001406689.1, NM_001406690.1 and 6 more transcripts); c.1533+2T>A (NM_001406667.1, NM_001406668.1); c.843+2T>A (NM_001406680.1, NM_001406683.1, NM_001406687.1 and 6 more transcripts); c.-160+455T>A (NM_001406698.1); c.1443+2T>A (NM_001114382.3, NM_001406663.1, NM_001406664.1 and 6 more transcripts); c.1431+2T>A (NM_001406671.1, NM_001406673.1); c.981+2T>A (NM_001406681.1); c.1332+2T>A (NM_001406670.1, NM_001318827.2, NM_001406678.1); and 3 more.
Identifiers: ClinVar variation 1333076 (VCV001333076.5), dbSNP rs397515064, ClinGen allele CA394324194.
Genomic context (GRCh38, chr16:2,063,055, plus strand): 5'-GCATCAAGGTGCTGGACGTGCTGTCCTTTGTGCTGCTCATCAACAGGCAGTTCTATGAGG[T>A]GCGTGTCCAGGCGGCCGCAGCTGGGGGCTCAGGGCTATTTCTCCGTGGGCGGGCTGTCTC-3'

ClinVar aggregate classification (germline): Pathogenic. Review status: criteria provided, multiple submitters, no conflicts (2 of 4 stars). 2 submissions from 2 submitters: Pathogenic (2). Last evaluated 2023-11-15.

Conditions:
Tuberous sclerosis 2 (TSC2). Identifiers: Orphanet 805, MedGen C1860707, MONDO:0013199, OMIM 613254.

Submissions (2):

Labcorp Genetics (formerly Invitae), Labcorp
Classification: Pathogenic for Tuberous sclerosis 2. Last evaluated: 2023-11-15. Review status: criteria provided, single submitter. Criteria: Invitae Variant Classification Sherloc (09022015). Collection method: clinical testing. Allele origin: germline.
Comment: This sequence change affects a donor splice site in intron 14 of the TSC2 gene. It is expected to disrupt RNA splicing. Variants that disrupt the donor or acceptor splice site typically lead to a loss of protein function (PMID: 16199547), and loss-of-function variants in TSC2 are known to be pathogenic (PMID: 10205261, 17304050). This variant is not present in population databases (gnomAD no frequency). Disruption of this splice site has been observed in individuals with tuberous sclerosis complex (Invitae). ClinVar contains an entry for this variant (Variation ID: 1333076). Algorithms developed to predict the effect of sequence changes on RNA splicing suggest that this variant may disrupt the consensus splice site. For these reasons, this variant has been classified as Pathogenic.

GeneDx
Classification: Pathogenic. Last evaluated: 2021-12-27. Review status: criteria provided, single submitter. Criteria: GeneDx Variant Classification Process June 2021. Collection method: clinical testing. Allele origin: germline. Affected: yes.
Comment: This variant is associated with the following publications: (PMID: 15798777)

Literature cited by the submitters: PubMed 16199547 (cited by Labcorp Genetics (formerly Invitae), Labcorp); PubMed 10205261 (cited by Labcorp Genetics (formerly Invitae), Labcorp); PubMed 17304050 (cited by Labcorp Genetics (formerly Invitae), Labcorp).